The following continues an entry in ClinVar:

NM_000218.3(KCNQ1):c.1664G>A (p.Arg555His)

Gene: KCNQ1. ClinVar aggregate classification (germline): Pathogenic/Likely pathogenic. Pathogenic (10); Likely pathogenic (5).

Submissions 7 to 16 of 16:

Women's Health and Genetics/Laboratory Corporation of America, LabCorp
Classification: Pathogenic for Long QT syndrome. Last evaluated: 2024-01-16. Review status: criteria provided, single submitter. Criteria: LabCorp Variant Classification Summary - May 2015. Collection method: clinical testing. Allele origin: germline.
Comment: Variant summary: KCNQ1 c.1664G>A (p.Arg555His) results in a non-conservative amino acid change located in the Potassium channel, voltage dependent, KCNQ, C-terminal domain (IPR013821) of the encoded protein sequence. This alters a highly conserved residue (HGMD) in which another missense variant (p.Arg555Cys) is classified as pathogenic. Five of five in-silico tools predict a damaging effect of the variant on protein function. The variant allele was found at a frequency of 2.3e-05 in 176120 control chromosomes (gnomAD). c.1664G>A has been reported in the literature in multiple individuals affected with Long QT Syndrome (e.g. Lupoglazoff_2004, Giudicessi_2012, Yee_2022). These data indicate that the variant is very likely to be associated with disease. Publications report experimental evidence evaluating an impact on protein function, finding that the variant disrupts channel current (Ademuyiwa_2014, Dvir_2014). The following publications have been ascertained in the context of this evaluation (PMID: 14998624, 22949429, 25344363, 25037568, 36102233). ClinVar contains an entry for this variant (Variation ID: 53003). Based on the evidence outlined above, the variant was classified as pathogenic.

Human Genome Sequencing Center Clinical Lab, Baylor College of Medicine
Classification: Likely pathogenic for long QT syndrome. Last evaluated: 2024-01-15. Review status: criteria provided, single submitter. Criteria: ACMG Guidelines, 2015. Collection method: clinical testing. Allele origin: unknown.

North West Genomic Laboratory Hub, Manchester University NHS Foundation Trust
Classification: Pathogenic for Long QT syndrome 1. Last evaluated: 2023-12-19. Review status: criteria provided, single submitter. Criteria: ACGS Best Practice Guidelines for Variant Classification in Rare Disease 2020. Collection method: clinical testing. Allele origin: germline. Affected: yes.
Comment: PM1_Mod PP1_Mod PP3_Supp PS3_Mod PS4_Str

Blueprint Genetics
Classification: Pathogenic for KCNQ1-related disorders. Last evaluated: 2023-09-21. Review status: criteria provided, single submitter. Criteria: ACMG Guidelines, 2015. Collection method: clinical testing. Allele origin: germline. Affected: yes. Observed: 5 variant alleles.

Molecular Genetics Laboratory - Cardiogenetics, CHU de Nantes
Classification: Pathogenic for Long QT syndrome 1. Last evaluated: 2023-08-01. Review status: criteria provided, single submitter. Criteria: ACMG Guidelines, 2015. Collection method: clinical testing. Allele origin: germline. Affected: yes.

CeGaT Center for Human Genetics Tuebingen
Classification: Pathogenic. Last evaluated: 2023-01-01. Review status: criteria provided, single submitter. Criteria: CeGaT Center For Human Genetics Tuebingen Variant Classification Criteria Version 2. Collection method: clinical testing. Allele origin: germline. Affected: yes. Observed: 1 variant allele.
Comment: KCNQ1: PM1, PM2, PM5, PS4:Moderate, PP3, PP4, PS3:Supporting

Fulgent Genetics
Classification: Pathogenic for Beckwith-Wiedemann syndrome; Long QT syndrome 1; Jervell and Lange-Nielsen syndrome 1; Atrial fibrillation, familial, 3; Short QT syndrome type 2. Last evaluated: 2021-10-16. Review status: criteria provided, single submitter. Criteria: ACMG Guidelines, 2015. Collection method: clinical testing. Allele origin: unknown.

Kariminejad - Najmabadi Pathology & Genetics Center
Classification: Pathogenic. Last evaluated: 2021-07-10. Review status: criteria provided, single submitter. Criteria: ACMG Guidelines, 2015. Collection method: clinical testing. Allele origin: germline.

Juno Genomics, Hangzhou Juno Genomics, Inc
Classification: Likely pathogenic for Long QT syndrome 1; Atrial fibrillation, familial, 3; Jervell and Lange-Nielsen syndrome 1; Short QT syndrome type 2. Review status: criteria provided, single submitter. Criteria: ACMG Guidelines, 2015. Collection method: clinical testing. Allele origin: germline.
Comment: Well-established in vitro or in vivo functional studies supportive of a damaging effect on the gene or gene product.;The prevalence of the variant in affected individuals is significantly increased compared to the prevalence in controls.;Patient's phenotype or family history is highly specific for a disease with a single genetic etiology.;Novel missense change at an amino acid residue where a different missense change determined to be pathogenic has been seen before.

Cardiovascular Biomedical Research Unit, Royal Brompton & Harefield NHS Foundation Trust
No classification provided. Condition: Familial long QT syndrome. Review status: no classification provided. Collection method: literature only. Allele origin: germline. Not counted in ClinVar's aggregate classification.
Comment: This variant has been reported as associated with Long QT syndrome in the following publications (PMID:14998624;PMID:15840476;PMID:19716085;PMID:19841300;PMID:15214551). This is a literature report, and does not necessarily reflect the clinical interpretation of the Imperial College / Royal Brompton Cardiovascular Genetics laboratory.

Literature cited by the submitters: PubMed 25037568 (cited by 7 submitters); PubMed 25344363 (cited by 7 submitters); PubMed 14998624 (cited by 8 submitters); PubMed 19841300 (cited by 6 submitters); PubMed 22949429 (cited by 7 submitters); PubMed 23130128 (cited by 6 submitters); PubMed 15840476 (cited by 6 submitters); PubMed 19716085 (cited by 6 submitters); PubMed 23098067 (cited by 6 submitters); PubMed 9386136 (cited by Dasa and Labcorp Genetics (formerly Invitae), Labcorp); PubMed 19934648 (cited by Dasa and Labcorp Genetics (formerly Invitae), Labcorp); PubMed 26412604 (cited by Color Diagnostics, LLC DBA Color Health and Ambry Genetics); PubMed 32383558 (cited by Color Diagnostics, LLC DBA Color Health and Ambry Genetics); PubMed 32893267 (cited by Color Diagnostics, LLC DBA Color Health and North West Genomic Laboratory Hub, Manchester University NHS Foundation Trust); PubMed 34505893 (cited by Color Diagnostics, LLC DBA Color Health and Ambry Genetics); PubMed 36102233 (cited by Color Diagnostics, LLC DBA Color Health and Women's Health and Genetics/Laboratory Corporation of America, LabCorp); PubMed 37457655 (cited by Color Diagnostics, LLC DBA Color Health and Ambry Genetics); PubMed 18004376 (cited by Ambry Genetics); PubMed 32048431 (cited by Ambry Genetics); PubMed 34697415 (cited by Ambry Genetics); PubMed 22581653 (cited by North West Genomic Laboratory Hub, Manchester University NHS Foundation Trust and Cardiovascular Biomedical Research Unit, Royal Brompton & Harefield NHS Foundation Trust); PubMed 15214551 (cited by North West Genomic Laboratory Hub, Manchester University NHS Foundation Trust and Cardiovascular Biomedical Research Unit, Royal Brompton & Harefield NHS Foundation Trust).